The following is an entry in ClinVar:

NM_004646.4(NPHS1):c.385C>T (p.Leu129Phe)

Gene: NPHS1 (NPHS1 adhesion molecule, nephrin; minus strand). Cytogenetic location: 19q13.12.
Variant type: single nucleotide variant.
Coding change: c.385C>T on transcript NM_004646.4 (MANE Select); coding-DNA position 385, C replaced by T.
Protein change: p.Leu129Phe; replaces leucine 129 with phenylalanine.
Molecular consequence: missense variant.
Genome position (GRCh38, 1-based): chr19:35,851,274, G>A on the plus strand (C>T on the coding strand, the complement: NPHS1 is on the minus strand). VCF-style: chr19-35851274-G-A. GRCh37 (hg19) VCF-style: chr19-36342176-G-A.
Other names: short protein forms L129F.
Identifiers: ClinVar variation 1722405 (VCV001722405.4), dbSNP rs2513784716, ClinGen allele CA405410510.
Genomic context (GRCh38, chr19:35,851,274, plus strand): 5'-AGGGCTTGAAGCCCAGACTCATGGGTCCTGGGCGTCTCTCACCCATACCCAGGATGGAGA[G>A]GATCACTCTGGGAGACACGAGCTCGGGCCCCATCTCAGAGCGGCCGACCTGGCACTCATA-3'
Protein context (NP_004637.1, residues 119-139): GPELVSPRVI[Leu129Phe]SILVPPKLLL

ClinVar aggregate classification (germline): Conflicting classifications of pathogenicity. Review status: criteria provided, conflicting classifications (1 of 4 stars). 3 submissions from 3 submitters: Likely pathogenic (2); Uncertain significance (1). Last evaluated 2025-08-08.

Conditions:
Finnish congenital nephrotic syndrome (NPHS1). Also called: NEPHROTIC SYNDROME, TYPE 1. Identifiers: Orphanet 839, MedGen C0403399, MONDO:0009732, OMIM 256300.

Allele frequency attached by ClinVar (database versions not stated): gnomAD exomes below 0.00001.
gnomAD v4.1: 1 of 1,614,032 alleles (0.000062%); highest among the groups gnomAD compares: Non-Finnish European, 0.000085%; no homozygotes.

Submissions (3):

Natera, Inc.
Classification: Likely pathogenic for Finnish congenital nephrotic syndrome. Last evaluated: 2025-08-08. Review status: criteria provided, single submitter. Criteria: Natera Variant Classification Schema (03/2026). Collection method: clinical testing. Allele origin: germline.
Comment: The c.385C>T variant in NPHS1 is a missense variant predicted to cause substitution of leucine to phenylalanine at amino acid 129. This variant is rare in the general population with a frequency below the threshold expected for the associated phenotype(s). This variant has been observed in one or more individuals affected with the associated recessive disease, as either homozygous or compound heterozygous with a second variant (PMID: 15338398). This variant has been identified in one or more affected individuals with a phenotype highly consistent with the associated gene (PMID: 15338398). Computational prediction algorithms indicate this variant is likely to affect gene or protein function. Given the available evidence, this variant is classified as Likely Pathogenic.

Women's Health and Genetics/Laboratory Corporation of America, LabCorp
Classification: Uncertain significance. Last evaluated: 2025-07-31. Review status: criteria provided, single submitter. Criteria: LabCorp Variant Classification Summary - May 2015. Collection method: clinical testing. Allele origin: germline.
Comment: Variant summary: NPHS1 c.385C>T (p.Leu129Phe) results in a non-conservative amino acid change located in the Immunoglobulin subtype domain (IPR003599) of the encoded protein sequence. Algorithms developed to predict the effect of missense changes on protein structure and function are either unavailable or do not agree on the potential impact of this missense change. The variant was absent in 250912 control chromosomes. c.385C>T has been observed in individual(s) affected with Nephrotic Syndrome, Type 1(Schultheiss_2004, Wang_2017). These data indicate that the variant may be associated with disease. To our knowledge, no experimental evidence demonstrating an impact on protein function has been reported. The following publications have been ascertained in the context of this evaluation (PMID: 17371932, 28204945, 15338398). ClinVar contains an entry for this variant (Variation ID: 1722405). Based on the evidence outlined above, the variant was classified as VUS-possibly pathogenic.

Baylor Genetics
Classification: Likely pathogenic for Finnish congenital nephrotic syndrome. Last evaluated: 2023-08-22. Review status: criteria provided, single submitter. Criteria: ACMG Guidelines, 2015. Collection method: clinical testing. Allele origin: unknown.

Literature cited by the submitters: PubMed 15338398 (cited by Natera, Inc. and Women's Health and Genetics/Laboratory Corporation of America, LabCorp); PubMed 17371932 (cited by Women's Health and Genetics/Laboratory Corporation of America, LabCorp); PubMed 28204945 (cited by Women's Health and Genetics/Laboratory Corporation of America, LabCorp).